The following is an entry in ClinVar:

NM_201384.3(PLEC):c.13232C>T (p.Ala4411Val)

Gene: PLEC (plectin; minus strand). Cytogenetic location: 8q24.3.
Variant type: single nucleotide variant.
Coding change: c.13232C>T on transcript NM_201384.3 (MANE Select); coding-DNA position 13232, C replaced by T.
Protein change: p.Ala4411Val; replaces alanine 4411 with valine.
Molecular consequence: missense variant.
Genome position (GRCh38, 1-based): chr8:143,916,589, G>A on the plus strand (C>T on the coding strand, the complement: PLEC is on the minus strand). VCF-style: chr8-143916589-G-A. GRCh37 (hg19) VCF-style: chr8-144990757-G-A.
Other names: c.13313C>T, p.Ala4438Val (NM_000445.5); c.9932C>T, p.Ala3311Val (NM_001410941.1); c.13190C>T, p.Ala4397Val (NM_201378.4); c.13166C>T, p.Ala4389Val (NM_201379.3); c.13643C>T, p.Ala4548Val (NM_201380.4); c.13136C>T, p.Ala4379Val (NM_201381.3); c.13232C>T, p.Ala4411Val (NM_201382.4); c.13244C>T, p.Ala4415Val (NM_201383.3); short protein forms A4438V, A3311V, A4389V, A4415V, A4548V, A4397V, A4411V, A4379V.
Identifiers: ClinVar variation 2929909 (VCV002929909.3), dbSNP rs1302607610, ClinGen allele CA372475887.

ClinVar aggregate classification (germline): Uncertain significance (1 of 4 stars; one submission).

Conditions:
Epidermolysis bullosa simplex with nail dystrophy (EBS5D). Identifiers: MedGen C4225309, MONDO:0014661, OMIM 616487.
Epidermolysis bullosa simplex 5B, with muscular dystrophy (EBS5B). Also called: EPIDERMOLYSIS BULLOSA SIMPLEX AND LIMB-GIRDLE MUSCULAR DYSTROPHY; Epidermolysis bullosa simplex with muscular dystrophy. Identifiers: Orphanet 257, MedGen C2931072, MONDO:0009181, OMIM 226670.
Epidermolysis bullosa simplex 5C, with pyloric atresia (EBS5C). Also called: PLEC-Related Epidermolysis Bullosa with Pyloric Atresia; Epidermolysis bullosa simplex with pyloric atresia; PLEC1-Related Epidermolysis Bullosa with Pyloric Atresia. Identifiers: Orphanet 158684, MedGen C2677349, MONDO:0012807, OMIM 612138.
Autosomal recessive limb-girdle muscular dystrophy type 2Q (LGMDR17). Also called: MUSCULAR DYSTROPHY, LIMB-GIRDLE, AUTOSOMAL RECESSIVE 17. Identifiers: Orphanet 254361, MedGen C3150989, MONDO:0013390, OMIM 613723.
Epidermolysis bullosa simplex, Ogna type (EBS5A). Also called: Pidermolysis bullosa simplex 5A, Ogna type; EPIDERMOLYSIS BULLOSA SIMPLEX 5A, OGNA TYPE. Identifiers: Orphanet 79401, MedGen C0432317, MONDO:0007555, OMIM 131950.

Allele frequency attached by ClinVar (database versions not stated): TOPMed below 0.00001.

Submission:

Labcorp Genetics (formerly Invitae), Labcorp
Classification: Uncertain significance for Autosomal recessive limb-girdle muscular dystrophy type 2Q; Epidermolysis bullosa simplex, Ogna type; Epidermolysis bullosa simplex with nail dystrophy; Epidermolysis bullosa simplex 5C, with pyloric atresia; Epidermolysis bullosa simplex 5B, with muscular dystrophy. Last evaluated: 2023-06-09. Review status: criteria provided, single submitter. Criteria: Invitae Variant Classification Sherloc (09022015). Collection method: clinical testing. Allele origin: germline.
Comment: This sequence change replaces alanine, which is neutral and non-polar, with valine, which is neutral and non-polar, at codon 4438 of the PLEC protein (p.Ala4438Val). This variant is not present in population databases (gnomAD no frequency). This variant has not been reported in the literature in individuals affected with PLEC-related conditions. Advanced modeling of protein sequence and biophysical properties (such as structural, functional, and spatial information, amino acid conservation, physicochemical variation, residue mobility, and thermodynamic stability) performed at Invitae indicates that this missense variant is not expected to disrupt PLEC protein function. In summary, the available evidence is currently insufficient to determine the role of this variant in disease. Therefore, it has been classified as a Variant of Uncertain Significance.